The following is an entry in ClinVar:

NM_207122.2(EXT2):c.176del (p.Glu59fs)

Gene: EXT2 (exostosin glycosyltransferase 2; plus strand). Cytogenetic location: 11p11.2.
Variant type: Deletion.
Coding change: c.176del on transcript NM_207122.2 (MANE Select); coding-DNA position 176, one base deleted (A; older notation c.176delA).
Protein change: p.Glu59fs; shifts the reading frame from glutamic acid 59.
Molecular consequence: frameshift variant.
Genome position (GRCh38, 1-based): chr11:44,107,888, A deleted. VCF-style (leftmost placement, unchanged base first): chr11-44107887-GA-G. GRCh37 (hg19) VCF-style: chr11-44129437-GA-G.
Other names: c.275del, p.Glu92fs (NM_000401.3); c.176del, p.Glu59fs (NM_001178083.3, NM_001389628.1, NM_001389630.1); short protein forms E59fs, E92fs.
Identifiers: ClinVar variation 3721342 (VCV003721342.2).
Genomic context (GRCh38, chr11:44,107,887, plus strand): 5'-GCCACTGGCATGTTTCAGTTTTGGCCCCATTCTATCGAGTCCTCAAATGACTGGAATGTA[GA>G]GAAGCGCAGCATCCGTGATGTGCCGGTTGTTAGGCTGCCAGCCGACAGTCCCATCCCAGA-3'

ClinVar aggregate classification (germline): Pathogenic (1 of 4 stars; one submission).

Conditions:
Exostoses, multiple, type 2 (EXT2). Also called: Hereditary Multiple Osteochondromatosis, Type II; EXOSTOSES, MULTIPLE, TYPE II. Identifiers: Orphanet 321, MedGen C1851413, MONDO:0007586, OMIM 133701.

Submission:

Labcorp Genetics (formerly Invitae), Labcorp
Classification: Pathogenic for Exostoses, multiple, type 2. Last evaluated: 2024-09-22. Review status: criteria provided, single submitter. Criteria: Invitae Variant Classification Sherloc (09022015). Collection method: clinical testing. Allele origin: germline.
Comment: This sequence change creates a premature translational stop signal (p.Glu59Glyfs*53) in the EXT2 gene. It is expected to result in an absent or disrupted protein product. Loss-of-function variants in EXT2 are known to be pathogenic (PMID: 10679937, 19810120). This variant is not present in population databases (gnomAD no frequency). This variant has not been reported in the literature in individuals affected with EXT2-related conditions. For these reasons, this variant has been classified as Pathogenic.

Literature cited by the submitters: PubMed 10679937; PubMed 19810120.